The following is an entry in ClinVar:

NM_012434.5(SLC17A5):c.1333A>G (p.Lys445Glu)

Gene: SLC17A5 (solute carrier family 17 member 5; minus strand). Cytogenetic location: 6q13.
Variant type: single nucleotide variant.
Coding change: c.1333A>G on transcript NM_012434.5 (MANE Select); coding-DNA position 1333, A replaced by G.
Protein change: p.Lys445Glu; replaces lysine 445 with glutamic acid.
Molecular consequence: missense variant. On other transcripts: intron variant (1).
Genome position (GRCh38, 1-based): chr6:73,600,368, T>C on the plus strand (A>G on the coding strand, the complement: SLC17A5 is on the minus strand). VCF-style: chr6-73600368-T-C. GRCh37 (hg19) VCF-style: chr6-74310091-T-C.
Other names: c.1102A>G, p.Lys368Glu (NM_001382629.1); c.1354A>G, p.Lys452Glu (NM_001382631.1); c.1246A>G, p.Lys416Glu (NM_001382632.1); c.1333A>G, p.Lys445Glu (NM_001382633.1); c.1174A>G, p.Lys392Glu (NM_001382634.1); c.1330A>G, p.Lys444Glu (NM_001382635.1); c.1015A>G, p.Lys339Glu (NM_001382636.1); c.1260-5154A>G (NM_001382630.1); short protein forms K416E, K444E, K392E, K445E, K452E, K339E, K368E.
Identifiers: ClinVar variation 1437480 (VCV001437480.4), dbSNP rs751011039, ClinGen allele CA3890288.

ClinVar aggregate classification (germline): Uncertain significance (1 of 4 stars; one submission).

Conditions:
Salla disease (SD). Also called: Less Severe FSASD (Salla Disease); Sialuria, Finnish type; N-acetylneuraminic acid (NANA) storage disease (NSD); Infantile sialic acid storage disorder (ISSD). Identifiers: Orphanet 309334, Orphanet 834, MedGen C1096903, MONDO:0011449, OMIM 604369.

Allele frequency attached by ClinVar (database versions not stated): gnomAD exomes 0.00002 and 0.00001; ExAC 0.00005; TOPMed 0.00001.
gnomAD v4.1: 8 of 1,613,964 alleles (0.0005%); highest among the groups gnomAD compares: Admixed American, 0.01%; no homozygotes.

Submission:

Labcorp Genetics (formerly Invitae), Labcorp
Classification: Uncertain significance for Salla disease. Last evaluated: 2024-12-09. Review status: criteria provided, single submitter. Criteria: Invitae Variant Classification Sherloc (09022015). Collection method: clinical testing. Allele origin: germline.
Comment: This sequence change replaces lysine, which is basic and polar, with glutamic acid, which is acidic and polar, at codon 445 of the SLC17A5 protein (p.Lys445Glu). This variant is present in population databases (rs751011039, gnomAD 0.02%). This variant has not been reported in the literature in individuals affected with SLC17A5-related conditions. ClinVar contains an entry for this variant (Variation ID: 1437480). Invitae Evidence Modeling of protein sequence and biophysical properties (such as structural, functional, and spatial information, amino acid conservation, physicochemical variation, residue mobility, and thermodynamic stability) has been performed for this missense variant. However, the output from this modeling did not meet the statistical confidence thresholds required to predict the impact of this variant on SLC17A5 protein function. In summary, the available evidence is currently insufficient to determine the role of this variant in disease. Therefore, it has been classified as a Variant of Uncertain Significance.